The following is an entry in ClinVar:

ClinVar aggregate classification (germline): Uncertain significance (1 of 4 stars; one submission).

Conditions:
Neuroblastoma, susceptibility to, 3. Also called: ALK-Related Neuroblastic Tumor Susceptibility. Identifiers: Orphanet 635, MedGen C2751681, MONDO:0013083, OMIM 613014.

Submission:

Labcorp Genetics (formerly Invitae), Labcorp
Classification: Uncertain significance for Neuroblastoma, susceptibility to, 3. Last evaluated: 2023-03-22. Review status: criteria provided, single submitter. Criteria: Invitae Variant Classification Sherloc (09022015). Collection method: clinical testing. Allele origin: unknown.
Comment: This variant has not been reported in the literature in individuals affected with ALK-related conditions. In summary, the available evidence is currently insufficient to determine the role of this variant in disease. Therefore, it has been classified as a Variant of Uncertain Significance. Experimental studies and prediction algorithms are not available or were not evaluated, and the functional significance of this variant is currently unknown. This variant is a gross deletion of the genomic region encompassing exon(s) 13 of the ALK gene. This deletion is out-of-frame, and is expected to create a premature translational stop signal and result in an absent or disrupted protein product. However, the current clinical and genetic evidence is not sufficient to establish whether loss-of-function variants in ALK cause disease.

NC_000002.11:g.(?_29462536)_(29462706_?)del

Gene: ALK (ALK receptor tyrosine kinase; minus strand). Cytogenetic location: 2p23.2.
Variant type: Deletion.
Identifiers: ClinVar variation 3247351 (VCV003247351.1).